The following is an entry in ClinVar:

ClinVar aggregate classification (germline): Uncertain significance. Review status: criteria provided, multiple submitters, no conflicts (2 of 4 stars). 2 submissions from 2 submitters: Uncertain significance (2). Last evaluated 2026-04-14.

Conditions:
Hereditary spastic paraplegia 11. Also called: SPASTIC PARAPLEGIA, AUTOSOMAL RECESSIVE, COMPLICATED, WITH THIN CORPUS CALLOSUM; SPASTIC PARAPLEGIA, AUTOSOMAL RECESSIVE, WITH MENTAL IMPAIRMENT AND THIN CORPUS CALLOSUM; Spastic Paraplegia 11; Spastic paraplegia, mental retardation and thin corpus callosum; Nakamura Osame syndrome; Autosomal recessive hereditary spastic paraplegia, mental impairment, and thin corpus callosum. Identifiers: Orphanet 2822, MedGen C1858479, MONDO:0011445, OMIM 604360.

Submissions (2):

Women's Health and Genetics/Laboratory Corporation of America, LabCorp
Classification: Uncertain significance. Last evaluated: 2026-04-14. Review status: criteria provided, single submitter. Criteria: LabCorp Variant Classification Summary - May 2015. Collection method: clinical testing. Allele origin: germline.

Labcorp Genetics (formerly Invitae), Labcorp
Classification: Uncertain significance for Hereditary spastic paraplegia 11. Last evaluated: 2022-04-11. Review status: criteria provided, single submitter. Criteria: Invitae Variant Classification Sherloc (09022015). Collection method: clinical testing. Allele origin: germline.
Comment: This sequence change falls in intron 15 of the SPG11 gene. It does not directly change the encoded amino acid sequence of the SPG11 protein. It affects a nucleotide within the consensus splice site. This variant is present in population databases (rs759910630, gnomAD 0.007%). This variant has not been reported in the literature in individuals affected with SPG11-related conditions. Variants that disrupt the consensus splice site are a relatively common cause of aberrant splicing (PMID: 17576681, 9536098). Algorithms developed to predict the effect of sequence changes on RNA splicing suggest that this variant is not likely to affect RNA splicing. In summary, the available evidence is currently insufficient to determine the role of this variant in disease. Therefore, it has been classified as a Variant of Uncertain Significance.

Literature cited by the submitters: PubMed 17576681 (cited by Labcorp Genetics (formerly Invitae), Labcorp); PubMed 9536098 (cited by Labcorp Genetics (formerly Invitae), Labcorp).

NM_025137.4(SPG11):c.2834+5_2834+7del

Gene: SPG11 (SPG11 vesicle trafficking associated, spatacsin; minus strand). Cytogenetic location: 15q21.1.
Variant type: Microsatellite.
Coding change: c.2834+5_2834+7del on transcript NM_025137.4 (MANE Select); bases 5 to 7 of the intron after coding-DNA position 2834, 3 bases deleted (TAT; older notation c.2834+5_2834+7delTAT).
Molecular consequence: splice donor variant.
Genome position (GRCh38, 1-based): chr15:44,620,183-44,620,185, ATA deleted on the plus strand (TAT on the coding strand, the reverse complement: SPG11 is on the minus strand); deleting any 3 consecutive bases within chr15:44,620,183-44,620,188 gives the same sequence; the c. name uses the placement nearest the transcript's 3' end. VCF-style (leftmost placement, unchanged base first): chr15-44620182-TATA-T. GRCh37 (hg19) VCF-style: chr15-44912380-TATA-T.
Other names: c.2834+5_2834+7del (NM_001160227.2); c.2834+5_2834+7delTAT (NM_025137.4).
Identifiers: ClinVar variation 1005125 (VCV001005125.3), dbSNP rs759910630, ClinGen allele CA7535136.